The following is an entry in ClinVar:

ClinVar aggregate classification (germline): Conflicting classifications of pathogenicity. Review status: criteria provided, conflicting classifications (1 of 4 stars). 9 submissions from 9 submitters: Pathogenic (6); Likely pathogenic (2); Uncertain significance (1). Last evaluated 2026-08-06.

Conditions:
Other rare neuromuscular disorders.
TTN-related disorder. Also called: TTN-related disorders; TTN-related condition; TTN-related disease.
Dilated cardiomyopathy 1G (CMD1G). Identifiers: Orphanet 154, MedGen C1858763, MONDO:0011400, OMIM 604145.
Autosomal recessive limb-girdle muscular dystrophy type 2J (LGMDR10). Also called: Limb-girdle muscular dystrophy, type 2J; MUSCULAR DYSTROPHY, LIMB-GIRDLE, AUTOSOMAL RECESSIVE 10. Identifiers: Orphanet 140922, MedGen C1837342, MONDO:0012127, OMIM 608807.
Early-onset myopathy with fatal cardiomyopathy (CMYO5). Also called: Salih Myopathy; CONGENITAL MYOPATHY 5 WITH CARDIOMYOPATHY. Identifiers: Orphanet 289377, MedGen C2673677, MONDO:0012714, OMIM 611705. Disease mechanism: loss of function.
Hypertrophic cardiomyopathy 9. Also called: Familial hypertrophic cardiomyopathy 9. Identifiers: MedGen C1861065, MONDO:0013412, OMIM 613765.
Tibial muscular dystrophy (TMD). Also called: UDD MYOPATHY; Tibial muscular dystrophy, tardive; Udd Distal Myopathy – Tibial Muscular Dystrophy. Identifiers: Orphanet 609, MedGen C1838244, MONDO:0010870, OMIM 600334.
Myopathy, myofibrillar, 9, with early respiratory failure (MFM9). Also called: EDSTROM MYOPATHY; MYOPATHY, PROXIMAL, WITH EARLY RESPIRATORY MUSCLE INVOLVEMENT; Hereditary myopathy with early respiratory failure; Myopathy, distal, with early respiratory failure, autosomal dominant. Identifiers: Orphanet 178464, Orphanet 34521, MedGen C1863599, MONDO:0011362, OMIM 603689.

Allele frequency attached by ClinVar (database versions not stated): gnomAD exomes 0.00001 and 0.00002; TOPMed 0.00003.
gnomAD v4.1: 30 of 1,596,686 alleles (0.0019%); highest among the groups gnomAD compares: Non-Finnish European, 0.0026%; no homozygotes.

Submissions (9):

NHS Central & South Genomic Laboratory Hub
Classification: Pathogenic for Other rare neuromuscular disorders. Last evaluated: 2026-08-06. Review status: criteria provided, single submitter. Criteria: ACMG Guidelines, 2015. Collection method: clinical testing. Allele origin: germline. Affected: yes.

Labcorp Genetics (formerly Invitae), Labcorp
Classification: Pathogenic for Dilated cardiomyopathy 1G; Autosomal recessive limb-girdle muscular dystrophy type 2J. Last evaluated: 2026-01-15. Review status: criteria provided, single submitter. Criteria: Invitae Variant Classification Sherloc (09022015). Collection method: clinical testing. Allele origin: germline.
Comment: This sequence change creates a premature translational stop signal (p.Glu11932*) in the TTN gene. While this is not anticipated to result in nonsense mediated decay, it is expected to create a truncated TTN protein. The frequency data for this variant in the population databases is considered unreliable, as metrics indicate poor data quality at this position in the gnomAD database. This premature translational stop signal has been observed in individual(s) with clinical features of autosomal recessive centronuclear myopathy (PMID: 29691892). In at least one individual the data is consistent with being in trans (on the opposite chromosome) from a pathogenic variant. This variant has been reported in individual(s) with autosomal dominant non-ischemic cardiomyopathy (internal data); however, the role of the variant in this condition is currently unclear. ClinVar contains an entry for this variant (Variation ID: 238750). This variant is located in the I band of TTN (PMID: 25589632). Truncating variants in this region have been reported in individuals affected with autosomal recessive centronuclear myopathy (PMID: 23975875, internal data). Truncating variants in this region have also been identified in individuals affected with autosomal dominant dilated cardiomyopathy and/or cardio-related conditions (PMID: 27869827, 32964742, internal data). For these reasons, this variant has been classified as Pathogenic.

Broad Center for Mendelian Genomics, Broad Institute of MIT and Harvard
Classification: Pathogenic for Early-onset myopathy with fatal cardiomyopathy. Last evaluated: 2025-01-09. Review status: criteria provided, single submitter. Criteria: ACMG Guidelines, 2015. Collection method: research. Allele origin: germline. Inheritance: Autosomal recessive inheritance. Affected: yes. Observed: 1 variant allele, 1 compound heterozygote. Study: Broad Institute Center for Mendelian Genomics (CMG).
Comment: The phase of these variants is unknown at this time. The p.Glu11932Ter variant has been reported in 6 families with TTN-related myopathy (PMID: 29691892), and has been identified in 0.003% (30/1171268) of European (non-Finnish) chromosomes by the Genome Aggregation Database (gnomAD; dbSNP rs878854299). Although this variant has been seen in the general population in a heterozygous state, its frequency is low enough to be consistent with a recessive carrier frequency. Of the 7 affected individuals, 4 were compound heterozygotes that carried a reported pathogenic or likely pathogenic variant in trans, which increases the likelihood that the p.Glu11932Ter variant is pathogenic (Variation ID: 1067510, 2938083, 404786, 223329; PMID: 29691892). This variant has also been reported in ClinVar (Variation ID: 238750) and has been interpreted as pathogenic/likely pathogenic by Labcorp, GeneDx, MGZ Medical Genetics Center, and CeGaT Center for Human Genetics Tuebingen, and as a variant of uncertain significance by Eurofins Ntd Llc. This nonsense variant leads to a premature termination codon at position 11932 which is predicted to lead to a truncated or absent protein. Loss of function of the TTN gene is an established disease mechanism in autosomal recessive TTN-related myopathy. In summary, this variant meets criteria to be classified as pathogenic for autosomal recessive TTN-related myopathy. ACMG/AMP Criteria applied: PM3_very-strong, PVS1, PM2_supporting (Richards 2015).

Blueprint Genetics
Classification: Pathogenic for TTN-related disorders. Last evaluated: 2024-09-13. Review status: criteria provided, single submitter. Criteria: ACMG Guidelines, 2015. Collection method: clinical testing. Allele origin: germline. Affected: yes. Observed: 4 variant alleles.

Fulgent Genetics
Classification: Pathogenic for Tibial muscular dystrophy; Myopathy, myofibrillar, 9, with early respiratory failure; Dilated cardiomyopathy 1G; Autosomal recessive limb-girdle muscular dystrophy type 2J; Early-onset myopathy with fatal cardiomyopathy; Hypertrophic cardiomyopathy 9. Last evaluated: 2024-05-28. Review status: criteria provided, single submitter. Criteria: ACMG Guidelines, 2015. Collection method: clinical testing. Allele origin: germline.

MGZ Medical Genetics Center
Classification: Likely pathogenic for Autosomal recessive limb-girdle muscular dystrophy type 2J. Last evaluated: 2022-02-01. Review status: criteria provided, single submitter. Criteria: ACMG Guidelines, 2015. Collection method: clinical testing. Allele origin: germline. Affected: yes. Observed: 1 variant allele.
Comment: ACMG criteria applied: PS4, PM3

GeneDx
Classification: Pathogenic. Last evaluated: 2021-11-15. Review status: criteria provided, single submitter. Criteria: GeneDx Variant Classification Process June 2021. Collection method: clinical testing. Allele origin: germline. Affected: yes.
Comment: Observed with a splice variant on the opposite allele (in trans) in a patient with a congenital TTN-related disorder in published literature (Oates et al., 2018); Nonsense variant predicted to result in protein truncation or nonsense mediated decay; Not observed at a significant frequency in large population cohorts (Lek et al., 2016); This variant is associated with the following publications: (PMID: 32778822, 29691892)

CeGaT Center for Human Genetics Tuebingen
Classification: Likely pathogenic. Last evaluated: 2018-08-01. Review status: criteria provided, single submitter. Criteria: CeGaT Center For Human Genetics Tuebingen Variant Classification Criteria Version 2. Collection method: clinical testing. Allele origin: germline. Affected: yes. Observed: 4 variant alleles.

Eurofins Ntd Llc (ga)
Classification: Uncertain significance. Last evaluated: 2018-02-06. Review status: criteria provided, single submitter. Criteria: EGL Classification Definitions 2015. Collection method: clinical testing. Allele origin: germline. Observed: 2 variant alleles, 2 heterozygotes.

Literature cited by the submitters: PubMed 29691892 (cited by Labcorp Genetics (formerly Invitae), Labcorp); PubMed 25589632 (cited by Labcorp Genetics (formerly Invitae), Labcorp); PubMed 23975875 (cited by Labcorp Genetics (formerly Invitae), Labcorp); PubMed 27869827 (cited by Labcorp Genetics (formerly Invitae), Labcorp); PubMed 32964742 (cited by Labcorp Genetics (formerly Invitae), Labcorp).

NM_001267550.2(TTN):c.35794G>T (p.Glu11932Ter)

Gene: TTN (titin; minus strand). Cytogenetic location: 2q31.2.
Variant type: single nucleotide variant.
Coding change: c.35794G>T on transcript NM_001267550.2 (MANE Select); coding-DNA position 35794, G replaced by T.
Protein change: p.Glu11932Ter; replaces glutamic acid 11932 with a stop codon.
Molecular consequence: nonsense. On other transcripts: intron variant (4).
Genome position (GRCh38, 1-based): chr2:178,667,239, C>A on the plus strand (G>T on the coding strand, the complement: TTN is on the minus strand). VCF-style: chr2-178667239-C-A. GRCh37 (hg19) VCF-style: chr2-179531966-C-A.
Other names: c.13283-24922G>T (NM_003319.4); c.13859-24922G>T (NM_133437.4); c.13658-24922G>T (NM_133432.3); c.31483+2979G>T (NM_133378.4); c.34264+2979G>T (NM_001256850.1); c.35794G>T (NM_001267550.1); short protein forms E11932*.
Identifiers: ClinVar variation 238750 (VCV000238750.60), dbSNP rs878854299, ClinGen allele CA10581879.